The following is an entry in ClinVar:

NM_000465.4(BARD1):c.593C>G (p.Ala198Gly)

Gene: BARD1 (BRCA1 associated RING domain 1; minus strand). Cytogenetic location: 2q35.
Variant type: single nucleotide variant.
Coding change: c.593C>G on transcript NM_000465.4 (MANE Select); coding-DNA position 593, C replaced by G.
Protein change: p.Ala198Gly; replaces alanine 198 with glycine.
Molecular consequence: missense variant. On other transcripts: non-coding transcript variant (2), intron variant (3).
Genome position (GRCh38, 1-based): chr2:214,781,281, G>C on the plus strand (C>G on the coding strand, the complement: BARD1 is on the minus strand). VCF-style: chr2-214781281-G-C. GRCh37 (hg19) VCF-style: chr2-215646005-G-C.
Other names: c.536C>G, p.Ala179Gly (NM_001282543.2); c.158+28131C>G (NM_001282548.2); c.215+15780C>G (NM_001282545.2); c.364+11016C>G (NM_001282549.2); short protein forms A179G, A198G.
Identifiers: ClinVar variation 826065 (VCV000826065.4), dbSNP rs751357679, ClinGen allele CA350456783.

ClinVar aggregate classification (germline): Uncertain significance (1 of 4 stars; one submission).

Conditions:
Hereditary cancer-predisposing syndrome. Also called: Neoplastic Syndromes, Hereditary; Tumor predisposition; Hereditary neoplastic syndrome; Hereditary Cancer Syndrome. Identifiers: Orphanet 140162, MedGen C0027672, MeSH D009386, MONDO:0015356.

Submission:

Ambry Genetics
Classification: Uncertain significance for Hereditary cancer-predisposing syndrome. Last evaluated: 2019-12-02. Review status: criteria provided, single submitter. Criteria: Ambry Variant Classification Scheme 2023. Collection method: clinical testing. Allele origin: germline.
Comment: The p.A198G variant (also known as c.593C>G), located in coding exon 4 of the BARD1 gene, results from a C to G substitution at nucleotide position 593. The alanine at codon 198 is replaced by glycine, an amino acid with similar properties. This amino acid position is poorly conserved in available vertebrate species. In addition, this alteration is predicted to be tolerated by in silico analysis. Since supporting evidence is limited at this time, the clinical significance of this alteration remains unclear.